The following is an entry in ClinVar:

ClinVar aggregate classification (germline): Benign/Likely benign. Review status: criteria provided, multiple submitters, no conflicts (2 of 4 stars). 11 submissions from 11 submitters: Benign (7); Likely benign (1). 3 of the submissions do not count toward it. Last evaluated 2026-02-03.

Conditions:
Inborn genetic diseases. Identifiers: MedGen C0950123, MeSH D030342.
Neuronal ceroid lipofuscinosis 7 (CLN7). Also called: MFSD8-Related Neuronal Ceroid-Lipofuscinosis. Identifiers: Orphanet 168491, Orphanet 228366, MedGen C1838571, MONDO:0012588, OMIM 610951.
Macular dystrophy with central cone involvement (CCMD). Identifiers: MedGen C4015371, MONDO:0014515, OMIM 616170.
Late-infantile neuronal ceroid lipofuscinosis. Also called: Jansky-Bielschowsky disease. Identifiers: MedGen C0022340, MONDO:0015674.

Allele frequency attached by ClinVar (database versions not stated): gnomAD exomes 0.00224; ExAC 0.00262; 1000 Genomes Project 0.00719; 1000 Genomes Project 30x 0.00750; ESP Exome Variant Server 0.00808; TOPMed 0.00913.
gnomAD v4.1: 2,632 of 1,606,132 alleles (0.16%); highest among the groups gnomAD compares: African/African-American, 3%; 39 homozygotes.

Submissions (11):

Labcorp Genetics (formerly Invitae), Labcorp
Classification: Benign for Neuronal ceroid lipofuscinosis 7. Last evaluated: 2026-02-03. Review status: criteria provided, single submitter. Criteria: Invitae Variant Classification Sherloc (09022015). Collection method: clinical testing. Allele origin: germline.

Mayo Clinic Laboratories, Mayo Clinic
Classification: Benign. Last evaluated: 2025-03-31. Review status: criteria provided, single submitter. Criteria: ACMG Guidelines, 2015. Collection method: clinical testing. Allele origin: germline. Observed: 4 variant alleles.
Comment: BA1, BP4

Fulgent Genetics
Classification: Likely benign for Neuronal ceroid lipofuscinosis 7; Macular dystrophy with central cone involvement. Last evaluated: 2021-12-01. Review status: criteria provided, single submitter. Criteria: ACMG Guidelines, 2015. Collection method: clinical testing. Allele origin: unknown.

Illumina Laboratory Services, Illumina
Classification: Benign for Neuronal ceroid lipofuscinosis 7. Last evaluated: 2018-01-12. Review status: criteria provided, single submitter. Criteria: ICSL Variant Classification Criteria 13 December 2019. Collection method: clinical testing. Allele origin: germline.
Comment: This variant was observed in the ICSL laboratory as part of a predisposition screen in an ostensibly healthy population. It had not been previously curated by ICSL or reported in the Human Gene Mutation Database (HGMD: prior to June 1st, 2018), and was therefore a candidate for classification through an automated scoring system. Utilizing variant allele frequency, disease prevalence and penetrance estimates, and inheritance mode, an automated score was calculated to assess if this variant is too frequent to cause the disease. Based on the score and internal cut-off values, a variant classified as benign is not then subjected to further curation. The score for this variant resulted in a classification of benign for this disease.

Ambry Genetics
Classification: Benign for Inborn genetic diseases. Last evaluated: 2016-03-18. Review status: criteria provided, single submitter. Criteria: Ambry Variant Classification Scheme 2023. Collection method: clinical testing. Allele origin: germline.

Genetic Services Laboratory, University of Chicago
Classification: Benign. Last evaluated: 2016-02-08. Review status: criteria provided, single submitter. Criteria: ACMG Guidelines, 2015. Collection method: clinical testing. Allele origin: germline. Affected: no.

GeneDx
Classification: Benign. Last evaluated: 2012-06-05. Review status: criteria provided, single submitter. Criteria: GeneDx Variant Classification (06012015). Collection method: clinical testing. Allele origin: germline. Affected: yes.
Comment: This variant is considered likely benign or benign based on one or more of the following criteria: it is a conservative change, it occurs at a poorly conserved position in the protein, it is predicted to be benign by multiple in silico algorithms, and/or has population frequency not consistent with disease.

Breakthrough Genomics
Classification: Benign. Review status: criteria provided, single submitter. Criteria: ACMG Guidelines, 2015. Collection method: not provided. Allele origin: germline. Inheritance: Autosomal recessive inheritance. Affected: yes.

Natera, Inc.
Classification: Benign for Late-infantile neuronal ceroid lipofuscinosis. Last evaluated: 2020-09-16. Review status: no assertion criteria provided. Collection method: clinical testing. Allele origin: germline. Not counted in ClinVar's aggregate classification.

Clinical Genetics DNA and cytogenetics Diagnostics Lab, Erasmus MC, Erasmus Medical Center
Classification: Benign. Review status: no assertion criteria provided. Collection method: clinical testing. Allele origin: germline. Affected: yes. Study: VKGL Data-share Consensus. Not counted in ClinVar's aggregate classification.

Genome Diagnostics Laboratory, University Medical Center Utrecht
Classification: Likely benign. Review status: no assertion criteria provided. Collection method: clinical testing. Allele origin: germline. Affected: yes. Study: VKGL Data-share Consensus. Not counted in ClinVar's aggregate classification.

NM_001371596.2(MFSD8):c.66A>T (p.Glu22Asp)

Gene: MFSD8 (major facilitator superfamily domain containing 8; minus strand). Cytogenetic location: 4q28.2.
Variant type: single nucleotide variant.
Coding change: c.66A>T on transcript NM_001371596.2 (MANE Select); coding-DNA position 66, A replaced by T.
Protein change: p.Glu22Asp; replaces glutamic acid 22 with aspartic acid.
Molecular consequence: missense variant. On other transcripts: 5 prime UTR variant (1).
Genome position (GRCh38, 1-based): chr4:127,957,589, T>A on the plus strand (A>T on the coding strand, the complement: MFSD8 is on the minus strand). VCF-style: chr4-127957589-T-A. GRCh37 (hg19) VCF-style: chr4-128878744-T-A.
Other names: p.E22D:GAA>GAT; p.Glu22Asp; c.66A>T, p.Glu22Asp (NM_001363520.3, NM_001363521.3, NM_001371591.2 and 5 more transcripts); c.-70A>T (NM_001371590.2, NM_001371595.1, NM_001410765.1); short protein forms E22D.
Identifiers: ClinVar variation 129611 (VCV000129611.30), dbSNP rs145529594, ClinGen allele CA231294.